The following is an entry in ClinVar:

ClinVar aggregate classification (germline): Uncertain significance (1 of 4 stars; one submission).

Conditions:
Emery-Dreifuss muscular dystrophy (EDMD). Also called: Scapuloperoneal syndrome, X-linked (formerly); Humeroperoneal neuromuscular disease, (formerly). Identifiers: Orphanet 261, MedGen C0410189, MONDO:0016830.

Allele frequency attached by ClinVar (database versions not stated): gnomAD exomes below 0.00001; TOPMed below 0.00001; ExAC 0.00001; gnomAD 0.00001.
gnomAD v4.1: 5 of 1,614,038 alleles (0.00031%); highest among the groups gnomAD compares: Admixed American, 0.0033%; no homozygotes.

Submission:

Labcorp Genetics (formerly Invitae), Labcorp
Classification: Uncertain significance for Emery-Dreifuss muscular dystrophy. Last evaluated: 2022-07-05. Review status: criteria provided, single submitter. Criteria: Invitae Variant Classification Sherloc (09022015). Collection method: clinical testing. Allele origin: germline.
Comment: This variant has not been reported in the literature in individuals affected with SUN1-related conditions. This variant is present in population databases (rs778995671, gnomAD 0.003%). This sequence change replaces leucine, which is neutral and non-polar, with phenylalanine, which is neutral and non-polar, at codon 198 of the SUN1 protein (p.Leu198Phe). ClinVar contains an entry for this variant (Variation ID: 839431). In summary, the available evidence is currently insufficient to determine the role of this variant in disease. Therefore, it has been classified as a Variant of Uncertain Significance. Algorithms developed to predict the effect of missense changes on protein structure and function are either unavailable or do not agree on the potential impact of this missense change (SIFT: "Tolerated"; PolyPhen-2: "Probably Damaging"; Align-GVGD: "Class C0").

NM_001130965.3(SUN1):c.592C>T (p.Leu198Phe)

Gene: SUN1 (Sad1 and UNC84 domain containing 1; plus strand). Cytogenetic location: 7p22.3.
Variant type: single nucleotide variant.
Coding change: c.592C>T on transcript NM_001130965.3 (MANE Select); coding-DNA position 592, C replaced by T.
Protein change: p.Leu198Phe; replaces leucine 198 with phenylalanine.
Molecular consequence: missense variant. On other transcripts: synonymous variant (1), 5 prime UTR variant (1), non-coding transcript variant (3), intron variant (1).
Genome position (GRCh38, 1-based): chr7:843,454, C>T. VCF-style: chr7-843454-C-T. GRCh37 (hg19) VCF-style: chr7-883091-C-T.
Other names: c.655C>T, p.Leu219Phe (NM_001171945.2); c.592C>T, p.Leu198Phe (NM_001171946.2, NM_001367633.1, NM_001367634.1 and 32 more transcripts); c.135C>T, p.Cys45= (NM_001367635.1); c.442C>T, p.Leu148Phe (NM_001367636.1, NM_001367644.1, NM_001367645.1 and 23 more transcripts); c.25C>T, p.Leu9Phe (NM_001367639.1, NM_001367708.1); c.811C>T, p.Leu271Phe (NM_001367651.1); c.-170C>T (NM_001367658.1); c.619C>T, p.Leu207Phe (NM_001367669.1); and 2 more; short protein forms L207F, L219F, L271F, L135F, L148F, L198F, L9F.
Identifiers: ClinVar variation 839431 (VCV000839431.9), dbSNP rs778995671, ClinGen allele CA4111606.